The following is an entry in ClinVar:

ClinVar aggregate classification (germline): Pathogenic/Likely pathogenic. Review status: criteria provided, multiple submitters, no conflicts (2 of 4 stars). 5 submissions from 5 submitters: Pathogenic (2); Likely pathogenic (3). Last evaluated 2025-05-22.

Conditions:
CDH23-related disorder. Also called: CDH23-related disorders; CDH23-related condition.
Pituitary adenoma 5, multiple types. Identifiers: MedGen C4539685, MONDO:0054601, OMIM 617540.
Usher syndrome type 1 (USH1). Also called: RETINITIS PIGMENTOSA AND CONGENITAL DEAFNESS. Identifiers: Orphanet 231169, Orphanet 886, MedGen C1568247, MONDO:0010168, OMIM 276900.

Allele frequency attached by ClinVar (database versions not stated): gnomAD 0.00001.
gnomAD v4.1: 6 of 1,613,576 alleles (0.00037%); highest among the groups gnomAD compares: Non-Finnish European, 0.00051%; no homozygotes.

Submissions (5):

GeneDx
Classification: Pathogenic. Last evaluated: 2025-05-22. Review status: criteria provided, single submitter. Criteria: GeneDx Variant Classification Process June 2021. Collection method: clinical testing. Allele origin: germline. Affected: yes.
Comment: Nonsense variant predicted to result in protein truncation or nonsense mediated decay in a gene for which loss of function is a known mechanism of disease; Not observed at significant frequency in large population cohorts (gnomAD); Has not been previously published as pathogenic or benign to our knowledge

Labcorp Genetics (formerly Invitae), Labcorp
Classification: Pathogenic. Last evaluated: 2025-03-17. Review status: criteria provided, single submitter. Criteria: Invitae Variant Classification Sherloc (09022015). Collection method: clinical testing. Allele origin: germline.
Comment: This sequence change creates a premature translational stop signal (p.Gly291*) in the CDH23 gene. It is expected to result in an absent or disrupted protein product. Loss-of-function variants in CDH23 are known to be pathogenic (PMID: 11138009, 21940737). This variant is not present in population databases (gnomAD no frequency). This variant has not been reported in the literature in individuals affected with CDH23-related conditions. ClinVar contains an entry for this variant (Variation ID: 1072295). For these reasons, this variant has been classified as Pathogenic.

Natera, Inc.
Classification: Likely pathogenic for Usher syndrome type 1. Last evaluated: 2025-02-10. Review status: criteria provided, single submitter. Criteria: Natera Variant Classification Schema (03/2026). Collection method: clinical testing. Allele origin: germline.
Comment: The c.871G>T variant in CDH23 is a nonsense variant predicted to introduce a stop codon at amino acid 291. This variant is expected to result in nonsense mediated decay, truncation, or a dysfunctional protein product. This variant is rare in the general population with a frequency below the threshold expected for the associated phenotype(s). Given the available evidence, this variant is classified as Likely Pathogenic.

Baylor Genetics
Classification: Likely pathogenic for Pituitary adenoma 5, multiple types. Last evaluated: 2024-02-06. Review status: criteria provided, single submitter. Criteria: ACMG Guidelines, 2015. Collection method: clinical testing. Allele origin: unknown.

Blueprint Genetics
Classification: Likely pathogenic for CDH23-related disorders. Last evaluated: 2022-09-01. Review status: criteria provided, single submitter. Criteria: ACMG Guidelines, 2015. Collection method: clinical testing. Allele origin: germline. Affected: yes. Observed: 2 variant alleles.

Literature cited by the submitters: PubMed 11138009 (cited by Labcorp Genetics (formerly Invitae), Labcorp); PubMed 21940737 (cited by Labcorp Genetics (formerly Invitae), Labcorp).

NM_022124.6(CDH23):c.871G>T (p.Gly291Ter)

Gene: CDH23 (cadherin related 23; plus strand). Cytogenetic location: 10q22.1.
Variant type: single nucleotide variant.
Coding change: c.871G>T on transcript NM_022124.6 (MANE Select); coding-DNA position 871, G replaced by T.
Protein change: p.Gly291Ter; replaces glycine 291 with a stop codon.
Molecular consequence: nonsense.
Genome position (GRCh38, 1-based): chr10:71,615,542, G>T. VCF-style: chr10-71615542-G-T. GRCh37 (hg19) VCF-style: chr10-73375299-G-T.
Other names: c.871G>T, p.Gly291Ter (NM_001171930.2, NM_001171931.2, NM_001171932.2 and 1 more transcripts); c.871G>T (NM_022124.5); short protein forms G291*.
Identifiers: ClinVar variation 1072295 (VCV001072295.13), dbSNP rs767343063, ClinGen allele CA377121402.